The following is an entry in ClinVar:

NM_000059.4(BRCA2):c.3950C>A (p.Thr1317Asn)

Gene: BRCA2 (BRCA2 DNA repair associated; plus strand). Cytogenetic location: 13q13.1.
Variant type: single nucleotide variant.
Coding change: c.3950C>A on transcript NM_000059.4 (MANE Select); coding-DNA position 3950, C replaced by A.
Protein change: p.Thr1317Asn; replaces threonine 1317 with asparagine.
Molecular consequence: missense variant. On other transcripts: non-coding transcript variant (1), intron variant (2).
Genome position (GRCh38, 1-based): chr13:32,338,305, C>A. VCF-style: chr13-32338305-C-A. GRCh37 (hg19) VCF-style: chr13-32912442-C-A.
Other names: c.3950C>A, p.Thr1317Asn (NM_001406719.1, NM_001406720.1, NM_001432077.1); c.1909+4918C>A (NM_001406721.1); c.425-6253C>A (NM_001406722.1); short protein forms T1317N.
Identifiers: ClinVar variation 4802300 (VCV004802300.1).
Genomic context (GRCh38, chr13:32,338,305, plus strand): 5'-ATATTGAAATGACTACTGGCACTTTTGTTGAAGAAATTACTGAAAATTACAAGAGAAATA[C>A]TGAAAATGAAGATAACAAATATACTGCTGCCAGTAGAAATTCTCATAACTTAGAATTTGA-3'
Protein context (NP_000050.3, residues 1307-1327): EEITENYKRN[Thr1317Asn]ENEDNKYTAA

ClinVar aggregate classification (germline): Uncertain significance (1 of 4 stars; one submission).

Conditions:
Hereditary breast ovarian cancer syndrome. Also called: Hereditary breast and ovarian cancer syndrome (HBOC); Hereditary breast and ovarian cancer; Breast and ovarian cancer; Hereditary breast and/or ovarian cancer syndrome; BRCA1- and BRCA2-Associated Hereditary Breast and Ovarian Cancer; Hereditary breast and ovarian cancer syndrome. Identifiers: Orphanet 145, MedGen C0677776, MeSH D061325, MONDO:0003582. Disease mechanism: loss of function.

gnomAD v4.1: 1 of 1,582,308 alleles (0.000063%); highest among the groups gnomAD compares: South Asian, 0.0012%; no homozygotes.

Submission:

Labcorp Genetics (formerly Invitae), Labcorp
Classification: Uncertain significance for Hereditary breast ovarian cancer syndrome. Last evaluated: 2025-04-01. Review status: criteria provided, single submitter. Criteria: Invitae Variant Classification Sherloc (09022015). Collection method: clinical testing. Allele origin: germline.
Comment: This sequence change replaces threonine, which is neutral and polar, with asparagine, which is neutral and polar, at codon 1317 of the BRCA2 protein (p.Thr1317Asn). This variant is not present in population databases (gnomAD no frequency). This variant has not been reported in the literature in individuals affected with BRCA2-related conditions. Invitae Evidence Modeling of protein sequence and biophysical properties (such as structural, functional, and spatial information, amino acid conservation, physicochemical variation, residue mobility, and thermodynamic stability) indicates that this missense variant is not expected to disrupt BRCA2 protein function with a negative predictive value of 95%. In summary, the available evidence is currently insufficient to determine the role of this variant in disease. Therefore, it has been classified as a Variant of Uncertain Significance.